The following is an entry in ClinVar:

ClinVar aggregate classification (germline): Likely benign. Review status: criteria provided, single submitter (1 of 4 stars). 2 submissions from 2 submitters: Likely benign (1). 1 of the submissions does not count toward it. Last evaluated 2021-02-12.

Conditions:
ADRA2A-related disorder. Also called: ADRA2A-related condition.

Submissions (2):

Genetic Services Laboratory, University of Chicago
Classification: Likely benign. Last evaluated: 2021-02-12. Review status: criteria provided, single submitter. Criteria: ACMG Guidelines, 2015. Collection method: clinical testing. Allele origin: germline. Affected: no.

PreventionGenetics, part of Exact Sciences
Classification: Likely benign for ADRA2A-related condition. Last evaluated: 2020-05-21. Review status: no assertion criteria provided. Collection method: clinical testing. Allele origin: germline. Not counted in ClinVar's aggregate classification.
Comment: This variant is classified as likely benign based on ACMG/AMP sequence variant interpretation guidelines (Richards et al. 2015 PMID: 25741868, with internal and published modifications).

NM_000681.4(ADRA2A):c.810_827del (p.Glu271_Pro276del)

Gene: ADRA2A (adrenoceptor alpha 2A; plus strand). Cytogenetic location: 10q25.2.
Variant type: Deletion.
Coding change: c.810_827del on transcript NM_000681.4 (MANE Select); coding-DNA positions 810 to 827, 18 bases deleted (CGAGCGCAGCGCGGGCCC).
Protein change: p.Glu271_Pro276del.
Molecular consequence: inframe deletion.
Genome position (GRCh38, 1-based): chr10:111,078,806-111,078,823, CGAGCGCAGCGCGGGCCC deleted; deleting any 18 consecutive bases within chr10:111,078,800-111,078,823 gives the same sequence; the c. name uses the placement nearest the transcript's 3' end. VCF-style (leftmost placement, unchanged base first): chr10-111078799-TGGGCCCCGAGCGCAGCGC-T. GRCh37 (hg19) VCF-style: chr10-112838557-TGGGCCCCGAGCGCAGCGC-T.
Other names: c.810_827del18 (NM_000681.3).
Identifiers: ClinVar variation 1338705 (VCV001338705.6), dbSNP rs780389097, ClinGen allele CA5690001.